The following is an entry in ClinVar:

NM_032242.4(PLXNA1):c.2314-233C>G

Gene: PLXNA1 (plexin A1; plus strand). Cytogenetic location: 3q21.3.
Variant type: single nucleotide variant.
Coding change: c.2314-233C>G on transcript NM_032242.4 (MANE Select); 233 bases into the intron before coding-DNA position 2314, C replaced by G.
Molecular consequence: intron variant.
Genome position (GRCh38, 1-based): chr3:127,013,787, C>G. VCF-style: chr3-127013787-C-G. GRCh37 (hg19) VCF-style: chr3-126732630-C-G.
Identifiers: ClinVar variation 4882104 (VCV004882104.2).
Genomic context (GRCh38, chr3:127,013,787, plus strand): 5'-GGAGTGGTCAGAGGCTGCCTGTGGTTGGAGGTGGTCTCCAAGGGGGTGCCACAGAGGTGA[C>G]TGTGGGAAGCACAGAGGTTCCCTTGGAAGGGCACCTCATATGGTTGCTAGCCTGGAGAGA-3'

ClinVar aggregate classification (germline): Uncertain significance (1 of 4 stars; one submission).

Submission:

Dasa
Classification: Uncertain significance. Last evaluated: 2026-04-20. Review status: criteria provided, single submitter. Criteria: DASA Assertion Criteria. Collection method: clinical testing. Allele origin: germline.
Comment: NM_032242.4(PLXNA1):c.2314-233C>G is an intronic variant. This variant is rare in population databases. Computational prediction algorithms are consistent with a deleterious effect. The currently available literature and clinical evidence are not sufficient to establish a definitive association between this variant and the reported condition. Therefore, this variant is classified as a variant of uncertain significance.